The following is an entry in ClinVar:

NM_017636.4(TRPM4):c.2840C>A (p.Ala947Asp)

Gene: TRPM4 (transient receptor potential cation channel subfamily M member 4; plus strand). Cytogenetic location: 19q13.33.
Variant type: single nucleotide variant.
Coding change: c.2840C>A on transcript NM_017636.4 (MANE Select); coding-DNA position 2840, C replaced by A.
Protein change: p.Ala947Asp; replaces alanine 947 with aspartic acid.
Molecular consequence: missense variant.
Genome position (GRCh38, 1-based): chr19:49,200,672, C>A. VCF-style: chr19-49200672-C-A. GRCh37 (hg19) VCF-style: chr19-49703929-C-A.
Other names: c.2405C>A, p.Ala802Asp (NM_001195227.2); c.2495C>A, p.Ala832Asp (NM_001321281.2); c.1232C>A, p.Ala411Asp (NM_001321282.2); c.2318C>A, p.Ala773Asp (NM_001321283.2); c.1778C>A, p.Ala593Asp (NM_001321285.2); short protein forms A593D, A773D, A947D, A411D, A802D, A832D.
Identifiers: ClinVar variation 944267 (VCV000944267.11), dbSNP rs368175948, ClinGen allele CA9569692.
Genomic context (GRCh38, chr19:49,200,672, plus strand): 5'-TGAAGGACGTGTTCTTCTTCCTCTTCTTCCTCGGCGTGTGGCTGGTAGCCTATGGCGTGG[C>A]CACGGAGGGGCTCCTGAGGCCACGGGACAGTGACTTCCCAAGTATCCTGCGCCGCGTCTT-3'
Protein context (NP_060106.2, residues 937-957): LGVWLVAYGV[Ala947Asp]TEGLLRPRDS

ClinVar aggregate classification (germline): Uncertain significance. Review status: criteria provided, multiple submitters, no conflicts (2 of 4 stars). 3 submissions from 3 submitters: Uncertain significance (3). Last evaluated 2025-12-21.

Conditions:
Cardiovascular phenotype. Identifiers: MedGen CN230736.
Progressive familial heart block type IB (PFHB1B). Identifiers: Orphanet 871, MedGen C1970298, MONDO:0011474, OMIM 604559.
Erythrokeratodermia variabilis et progressiva 6. Identifiers: MedGen C5193144, MONDO:0032801, OMIM 618531.

Allele frequency attached by ClinVar (database versions not stated): gnomAD exomes 0.00001 and 0.00002; ExAC 0.00003; TOPMed 0.00005; gnomAD 0.00007; ESP Exome Variant Server 0.00008.
gnomAD v4.1: 29 of 1,613,870 alleles (0.0018%); highest among the groups gnomAD compares: Admixed American, 0.0033%; no homozygotes.

Submissions (3):

Labcorp Genetics (formerly Invitae), Labcorp
Classification: Uncertain significance for Progressive familial heart block type IB. Last evaluated: 2025-12-21. Review status: criteria provided, single submitter. Criteria: Invitae Variant Classification Sherloc (09022015). Collection method: clinical testing. Allele origin: germline.
Comment: This sequence change replaces alanine, which is neutral and non-polar, with aspartic acid, which is acidic and polar, at codon 947 of the TRPM4 protein (p.Ala947Asp). This variant is present in population databases (rs368175948, gnomAD 0.005%). This variant has not been reported in the literature in individuals affected with TRPM4-related conditions. ClinVar contains an entry for this variant (Variation ID: 944267). An algorithm developed to predict the effect of missense changes on protein structure and function (PolyPhen-2) suggests that this variant is likely to be disruptive. In summary, the available evidence is currently insufficient to determine the role of this variant in disease. Therefore, it has been classified as a Variant of Uncertain Significance.

Ambry Genetics
Classification: Uncertain significance for Cardiovascular phenotype. Last evaluated: 2024-03-24. Review status: criteria provided, single submitter. Criteria: Ambry Variant Classification Scheme 2023. Collection method: clinical testing. Allele origin: germline.
Comment: The p.A947D variant (also known as c.2840C>A), located in coding exon 19 of the TRPM4 gene, results from a C to A substitution at nucleotide position 2840. The alanine at codon 947 is replaced by aspartic acid, an amino acid with dissimilar properties. This amino acid position is well conserved in available vertebrate species. In addition, this alteration is predicted to be deleterious by in silico analysis. Since supporting evidence is limited at this time, the clinical significance of this alteration remains unclear.

Fulgent Genetics
Classification: Uncertain significance for Progressive familial heart block type IB; Erythrokeratodermia variabilis et progressiva 6. Last evaluated: 2021-07-08. Review status: criteria provided, single submitter. Criteria: ACMG Guidelines, 2015. Collection method: clinical testing. Allele origin: unknown.